The following is an entry in ClinVar:

NM_024426.6(WT1):c.293C>G (p.Ala98Gly)

Genes: WT1 (WT1 transcription factor; minus strand), LOC107982234 (WT1/WT1-AS bi-directional promoter region; plus strand). Cytogenetic location: 11p13.
Variant type: single nucleotide variant.
Coding change: c.293C>G on transcript NM_024426.6 (MANE Select); coding-DNA position 293, C replaced by G.
Protein change: p.Ala98Gly; replaces alanine 98 with glycine.
Molecular consequence: missense variant. On other transcripts: non-coding transcript variant (1).
Genome position (GRCh38, 1-based): chr11:32,435,068, G>C on the plus strand (C>G on the coding strand, the complement: WT1 is on the minus strand). VCF-style: chr11-32435068-G-C. GRCh37 (hg19) VCF-style: chr11-32456614-G-C.
Other names: c.293C>G, p.Ala98Gly (NM_000378.6, NM_024424.5); short protein forms A98G.
Identifiers: ClinVar variation 939870 (VCV000939870.10), dbSNP rs1853462729, ClinGen allele CA379965988.

ClinVar aggregate classification (germline): Conflicting classifications of pathogenicity. Review status: criteria provided, conflicting classifications (1 of 4 stars). 3 submissions from 3 submitters: Uncertain significance (2); Likely benign (1). Last evaluated 2025-10-01.

Conditions:
Inborn genetic diseases. Identifiers: MedGen C0950123, MeSH D030342.
Drash syndrome (DDS). Also called: WILMS TUMOR AND PSEUDO- OR TRUE HERMAPHRODITISM; NEPHROPATHY, WILMS TUMOR, AND GENITAL ANOMALIES. Identifiers: Orphanet 220, MedGen C0950121, MONDO:0008682, OMIM 194080.
Frasier syndrome. Identifiers: Orphanet 347, MedGen C0950122, MeSH D052159, MONDO:0007635, OMIM 136680.
Wilms tumor 1 (WT1). Also called: Wilms tumor, somatic. Identifiers: Orphanet 654, MedGen CN033288, MONDO:0008679, OMIM 194070.
11p partial monosomy syndrome (WAGR). Also called: WAGR syndrome; CHROMOSOME 11p13 DELETION SYNDROME; WAGR Complex; WAGR Spectrum Disorder. Identifiers: Orphanet 893, MedGen C0206115, MONDO:0008681, OMIM 194072.

Submissions (3):

Labcorp Genetics (formerly Invitae), Labcorp
Classification: Uncertain significance for Wilms tumor 1; Drash syndrome; 11p partial monosomy syndrome; Frasier syndrome. Last evaluated: 2025-10-01. Review status: criteria provided, single submitter. Criteria: Invitae Variant Classification Sherloc (09022015). Collection method: clinical testing. Allele origin: germline.
Comment: This sequence change replaces alanine, which is neutral and non-polar, with glycine, which is neutral and non-polar, at codon 93 of the WT1 protein (p.Ala93Gly). This variant is not present in population databases (gnomAD no frequency). This variant has not been reported in the literature in individuals affected with WT1-related conditions. ClinVar contains an entry for this variant (Variation ID: 939870). Invitae Evidence Modeling of protein sequence and biophysical properties (such as structural, functional, and spatial information, amino acid conservation, physicochemical variation, residue mobility, and thermodynamic stability) indicates that this missense variant is not expected to disrupt WT1 protein function with a negative predictive value of 95%. In summary, the available evidence is currently insufficient to determine the role of this variant in disease. Therefore, it has been classified as a Variant of Uncertain Significance.

Ambry Genetics
Classification: Likely benign for Inborn genetic diseases. Last evaluated: 2025-07-23. Review status: criteria provided, single submitter. Criteria: Ambry Variant Classification Scheme 2023. Collection method: clinical testing. Allele origin: germline.

Baylor Genetics
Classification: Uncertain significance for Drash syndrome. Last evaluated: 2024-03-25. Review status: criteria provided, single submitter. Criteria: ACMG Guidelines, 2015. Collection method: clinical testing. Allele origin: unknown.